The following is an entry in ClinVar:

NC_000005.10:g.112707435G>C

Gene: APC (APC regulator of Wnt signaling pathway; plus strand). Cytogenetic location: 5q22.2.
Variant type: single nucleotide variant.
Genome position: GRCh38 VCF-style: chr5-112707435-G-C. GRCh37 (hg19) VCF-style: chr5-112043132-G-C.
Identifiers: ClinVar variation 1018804 (VCV001018804.10), dbSNP rs781399686, ClinGen allele CA1573442294.

ClinVar aggregate classification (germline): Uncertain significance (1 of 4 stars; one submission).

Conditions:
Familial adenomatous polyposis 1 (FAP1). Also called: POLYPOSIS, ADENOMATOUS INTESTINAL; FAMILIAL ADENOMATOUS POLYPOSIS 1, ATTENUATED. Identifiers: MedGen C2713442, MONDO:0021056, OMIM 175100. Disease mechanism: loss of function.

Submission:

Labcorp Genetics (formerly Invitae), Labcorp
Classification: Uncertain significance for Familial adenomatous polyposis 1. Last evaluated: 2025-05-05. Review status: criteria provided, single submitter. Criteria: Invitae Variant Classification Sherloc (09022015). Collection method: clinical testing. Allele origin: germline.
Comment: This variant occurs in a non-coding region of the APC gene. It does not change the encoded amino acid sequence of the APC protein. This variant is not present in population databases (gnomAD no frequency). This variant has not been reported in the literature in individuals affected with APC-related conditions. Experimental studies and prediction algorithms are not available or were not evaluated, and the functional significance of this variant is currently unknown. In summary, the available evidence is currently insufficient to determine the role of this variant in disease. Therefore, it has been classified as a Variant of Uncertain Significance.